The following is an entry in ClinVar:

ClinVar aggregate classification (germline): Uncertain significance (1 of 4 stars; one submission).

Submission:

GeneDx
Classification: Uncertain significance. Last evaluated: 2025-01-05. Review status: criteria provided, single submitter. Criteria: GeneDx Variant Classification Process June 2021. Collection method: clinical testing. Allele origin: germline. Affected: yes.
Comment: Not observed at significant frequency in large population cohorts (gnomAD); In silico analysis supports that this missense variant has a deleterious effect on protein structure/function; Has not been previously published as pathogenic or benign to our knowledge

NM_201599.3(ZMYM3):c.2177A>C (p.Gln726Pro)

Gene: ZMYM3 (zinc finger MYM-type containing 3; minus strand). Cytogenetic location: Xq13.1.
Variant type: single nucleotide variant.
Coding change: c.2177A>C on transcript NM_201599.3 (MANE Select); coding-DNA position 2177, A replaced by C.
Protein change: p.Gln726Pro; replaces glutamine 726 with proline.
Molecular consequence: missense variant.
Genome position (GRCh38, 1-based): chrX:71,247,482, T>G on the plus strand (A>C on the coding strand, the complement: ZMYM3 is on the minus strand). VCF-style: chrX-71247482-T-G. GRCh37 (hg19) VCF-style: chrX-70467332-T-G.
Other names: c.2177A>C, p.Gln726Pro (NM_001171162.1, NM_005096.3); short protein forms Q726P.
Identifiers: ClinVar variation 4057006 (VCV004057006.1).